The following is an entry in ClinVar:

ClinVar aggregate classification (germline): Uncertain significance (1 of 4 stars; one submission).

Submission:

Athena Diagnostics
Classification: Uncertain significance. Last evaluated: 2023-09-06. Review status: criteria provided, single submitter. Criteria: Athena Diagnostics Criteria. Collection method: clinical testing. Allele origin: unknown.
Comment: Available data are insufficient to determine the clinical significance of the variant at this time. This variant has not been reported in large, multi-ethnic general populations. Computational tools predict that this variant is not damaging.

NM_024577.4(SH3TC2):c.1473C>A (p.Phe491Leu)

Gene: SH3TC2 (SH3 domain and tetratricopeptide repeats 2; minus strand). Cytogenetic location: 5q32.
Variant type: single nucleotide variant.
Coding change: c.1473C>A on transcript NM_024577.4 (MANE Select); coding-DNA position 1473, C replaced by A.
Protein change: p.Phe491Leu; replaces phenylalanine 491 with leucine.
Molecular consequence: missense variant.
Genome position (GRCh38, 1-based): chr5:149,028,259, G>T on the plus strand (C>A on the coding strand, the complement: SH3TC2 is on the minus strand). VCF-style: chr5-149028259-G-T. GRCh37 (hg19) VCF-style: chr5-148407822-G-T.
Other names: short protein forms F491L.
Identifiers: ClinVar variation 2684377 (VCV002684377.1), dbSNP rs144016931, ClinGen allele CA361668446.